The following is an entry in ClinVar:

NM_000441.2(SLC26A4):c.2194C>A (p.Gln732Lys)

Genes: SLC26A4 (solute carrier family 26 member 4; plus strand), LOC123956210 (Sharpr-MPRA regulatory region 3291; plus strand). Cytogenetic location: 7q22.3.
Variant type: single nucleotide variant.
Coding change: c.2194C>A on transcript NM_000441.2 (MANE Select); coding-DNA position 2194, C replaced by A.
Protein change: p.Gln732Lys; replaces glutamine 732 with lysine.
Molecular consequence: missense variant.
Genome position (GRCh38, 1-based): chr7:107,710,158, C>A. VCF-style: chr7-107710158-C-A. GRCh37 (hg19) VCF-style: chr7-107350603-C-A.
Other names: short protein forms Q732K.
Identifiers: ClinVar variation 1801126 (VCV001801126.1), dbSNP rs2535349953, ClinGen allele CA368845995.
Genomic context (GRCh38, chr7:107,710,158, plus strand): 5'-AACATTAGAAAGGACACATTCTTTTTGACGGTCCATGATGCTATACTCTATCTACAGAAC[C>A]AAGTGAAATCTCAAGAGGGTCAAGGTTCCATTTTAGAAACGGTAAATATTCAACCTTTCT-3'
Protein context (NP_000432.1, residues 722-742): VHDAILYLQN[Gln732Lys]VKSQEGQGSI

ClinVar aggregate classification (germline): Uncertain significance (1 of 4 stars; one submission).

Submission:

GeneDx
Classification: Uncertain significance. Last evaluated: 2022-05-27. Review status: criteria provided, single submitter. Criteria: GeneDx Variant Classification Process June 2021. Collection method: clinical testing. Allele origin: germline. Affected: yes.
Comment: Not observed at significant frequency in large population cohorts (gnomAD); In silico analysis supports that this missense variant does not alter protein structure/function; Has not been previously published as pathogenic or benign to our knowledge